The following is an entry in ClinVar:

NM_020297.4(ABCC9):c.1817A>C (p.Asn606Thr)

Gene: ABCC9 (ATP binding cassette subfamily C member 9; minus strand). Cytogenetic location: 12p12.1.
Variant type: single nucleotide variant.
Coding change: c.1817A>C on transcript NM_020297.4 (MANE Select); coding-DNA position 1817, A replaced by C.
Protein change: p.Asn606Thr; replaces asparagine 606 with threonine.
Molecular consequence: missense variant.
Genome position (GRCh38, 1-based): chr12:21,887,920, T>G on the plus strand (A>C on the coding strand, the complement: ABCC9 is on the minus strand). VCF-style: chr12-21887920-T-G. GRCh37 (hg19) VCF-style: chr12-22040854-T-G.
Other names: c.1817A>C, p.Asn606Thr (NM_001377273.1, NM_005691.4); c.953A>C, p.Asn318Thr (NM_001377274.1); short protein forms N606T, N318T.
Identifiers: ClinVar variation 410824 (VCV000410824.13), dbSNP rs149229372, ClinGen allele CA6481573.

ClinVar aggregate classification (germline): Uncertain significance. Review status: criteria provided, multiple submitters, no conflicts (2 of 4 stars). 2 submissions from 2 submitters: Uncertain significance (2). Last evaluated 2024-02-27.

Conditions:
Cardiovascular phenotype. Identifiers: MedGen CN230736.
Dilated cardiomyopathy 1O (CMD1O). Also called: CARDIOMYOPATHY, DILATED, WITH VENTRICULAR TACHYCARDIA. Identifiers: Orphanet 154, MedGen C1837839, MONDO:0012062, OMIM 608569.

Allele frequency attached by ClinVar (database versions not stated): gnomAD 0.00001 and 0.00002; gnomAD exomes 0.00001; TOPMed 0.00002; ESP Exome Variant Server 0.00008; 1000 Genomes Project 30x 0.00016; 1000 Genomes Project 0.00020.
gnomAD v4.1: 14 of 1,612,948 alleles (0.00087%); highest among the groups gnomAD compares: Non-Finnish European, 0.0012%; no homozygotes.

Submissions (2):

Ambry Genetics
Classification: Uncertain significance for Cardiovascular phenotype. Last evaluated: 2024-02-27. Review status: criteria provided, single submitter. Criteria: Ambry Variant Classification Scheme 2023. Collection method: clinical testing. Allele origin: germline.
Comment: The p.N606T variant (also known as c.1817A>C), located in coding exon 13 of the ABCC9 gene, results from an A to C substitution at nucleotide position 1817. The asparagine at codon 606 is replaced by threonine, an amino acid with similar properties. This amino acid position is well conserved in available vertebrate species. In addition, this alteration is predicted to be tolerated by in silico analysis. Based on the available evidence, the clinical significance of this alteration remains unclear.

Labcorp Genetics (formerly Invitae), Labcorp
Classification: Uncertain significance for Dilated cardiomyopathy 1O. Last evaluated: 2020-01-24. Review status: criteria provided, single submitter. Criteria: Invitae Variant Classification Sherloc (09022015). Collection method: clinical testing. Allele origin: germline.
Comment: In summary, the available evidence is currently insufficient to determine the role of this variant in disease. Therefore, it has been classified as a Variant of Uncertain Significance. Algorithms developed to predict the effect of missense changes on protein structure and function (SIFT, PolyPhen-2, Align-GVGD) all suggest that this variant is likely to be tolerated, but these predictions have not been confirmed by published functional studies and their clinical significance is uncertain. This variant has not been reported in the literature in individuals with ABCC9-related disease. ClinVar contains an entry for this variant (Variation ID: 410824). This variant is present in population databases (rs149229372, ExAC 0.003%). This sequence change replaces asparagine with threonine at codon 606 of the ABCC9 protein (p.Asn606Thr). The asparagine residue is moderately conserved and there is a small physicochemical difference between asparagine and threonine.